The following is an entry in ClinVar:

NM_000051.4(ATM):c.1270C>G (p.Pro424Ala)

Gene: ATM (ATM serine/threonine kinase; plus strand). Cytogenetic location: 11q22.3.
Variant type: single nucleotide variant.
Coding change: c.1270C>G on transcript NM_000051.4 (MANE Select); coding-DNA position 1270, C replaced by G.
Protein change: p.Pro424Ala; replaces proline 424 with alanine.
Molecular consequence: missense variant.
Genome position (GRCh38, 1-based): chr11:108,250,735, C>G. VCF-style: chr11-108250735-C-G. GRCh37 (hg19) VCF-style: chr11-108121462-C-G.
Other names: c.1270C>G, p.Pro424Ala (NM_001351834.2); short protein forms P424A.
Identifiers: ClinVar variation 1039782 (VCV001039782.6), dbSNP rs1591522957, ClinGen allele CA382533401.

ClinVar aggregate classification (germline): Uncertain significance. Review status: criteria provided, multiple submitters, no conflicts (2 of 4 stars). 2 submissions from 2 submitters: Uncertain significance (2). Last evaluated 2021-10-19.

Conditions:
Hereditary cancer-predisposing syndrome. Also called: Hereditary neoplastic syndrome; Neoplastic Syndromes, Hereditary; Tumor predisposition; Hereditary Cancer Syndrome. Identifiers: Orphanet 140162, MedGen C0027672, MeSH D009386, MONDO:0015356.
Ataxia-telangiectasia syndrome (AT). Also called: ATAXIA-TELANGIECTASIA, COMPLEMENTATION GROUP A; ATAXIA-TELANGIECTASIA, FRESNO VARIANT; Ataxia-telangiectasia, complementation group D; AT, COMPLEMENTATION GROUP C; Cerebello-oculocutaneous telangiectasia; Immunodeficiency with ataxia telangiectasia. Identifiers: Orphanet 100, MedGen C0004135, MONDO:0008840, OMIM 208900.

Submissions (2):

Ambry Genetics
Classification: Uncertain significance for Hereditary cancer-predisposing syndrome. Last evaluated: 2021-10-19. Review status: criteria provided, single submitter. Criteria: Ambry Variant Classification Scheme 2023. Collection method: clinical testing. Allele origin: germline.
Comment: The p.P424A variant (also known as c.1270C>G), located in coding exon 9 of the ATM gene, results from a C to G substitution at nucleotide position 1270. The proline at codon 424 is replaced by alanine, an amino acid with highly similar properties. This amino acid position is conserved. In addition, this alteration is predicted to be tolerated by in silico analysis. Since supporting evidence is limited at this time, the clinical significance of this alteration remains unclear.

Labcorp Genetics (formerly Invitae), Labcorp
Classification: Uncertain significance for Ataxia-telangiectasia syndrome. Last evaluated: 2021-08-27. Review status: criteria provided, single submitter. Criteria: Invitae Variant Classification Sherloc (09022015). Collection method: clinical testing. Allele origin: germline.